The following is an entry in ClinVar:

NM_201253.3(CRB1):c.2614G>A (p.Ala872Thr)

Gene: CRB1 (crumbs cell polarity complex component 1; plus strand). Cytogenetic location: 1q31.3.
Variant type: single nucleotide variant.
Coding change: c.2614G>A on transcript NM_201253.3 (MANE Select); coding-DNA position 2614, G replaced by A.
Protein change: p.Ala872Thr; replaces alanine 872 with threonine.
Molecular consequence: missense variant. On other transcripts: non-coding transcript variant (2), intron variant (1).
Genome position (GRCh38, 1-based): chr1:197,427,939, G>A. VCF-style: chr1-197427939-G-A. GRCh37 (hg19) VCF-style: chr1-197397069-G-A.
Other names: c.2278G>A, p.Ala760Thr (NM_001193640.2); c.2407G>A, p.Ala803Thr (NM_001257965.2); c.2128+5983G>A (NM_001257966.2); short protein forms A760T, A803T, A872T.
Identifiers: ClinVar variation 3749394 (VCV003749394.2).
Genomic context (GRCh38, chr1:197,427,939, plus strand): 5'-ATCCAAGATGTAAGACTAAACAACCAAAATCTGGAATTCTTTCCAAATCCAACAAACAAT[G>A]CATCTCTCAATCCAGTTCTTGTCAATGTAACCCAAGGCTGTGCTGGAGACAACAGCTGCA-3'
Protein context (NP_957705.1, residues 862-882): LEFFPNPTNN[Ala872Thr]SLNPVLVNVT

ClinVar aggregate classification (germline): Uncertain significance (1 of 4 stars; one submission).

Conditions:
Leber congenital amaurosis 8 (LCA8). Identifiers: Orphanet 65, MedGen C3151202, MONDO:0013453, OMIM 613835.
Retinitis pigmentosa 12 (RP12). Also called: RP WITH OR WITHOUT PRESERVED PARAARTERIOLE RETINAL PIGMENT EPITHELIUM; RETINITIS PIGMENTOSA WITH OR WITHOUT PARAARTERIOLAR PRESERVATION OF RETINAL PIGMENT EPITHELIUM; RP WITH OR WITHOUT PPRPE. Identifiers: Orphanet 791, MedGen C1838647, MONDO:0010818, OMIM 600105.

gnomAD v4.1: 2 of 1,613,974 alleles (0.00012%); highest among the groups gnomAD compares: Admixed American, 0.0017%; no homozygotes.

Submission:

Labcorp Genetics (formerly Invitae), Labcorp
Classification: Uncertain significance for Leber congenital amaurosis 8; Retinitis pigmentosa 12. Last evaluated: 2025-02-23. Review status: criteria provided, single submitter. Criteria: Invitae Variant Classification Sherloc (09022015). Collection method: clinical testing. Allele origin: germline.
Comment: This sequence change replaces alanine, which is neutral and non-polar, with threonine, which is neutral and polar, at codon 872 of the CRB1 protein (p.Ala872Thr). This variant is present in population databases (rs755733363, gnomAD 0.003%). This variant has not been reported in the literature in individuals affected with CRB1-related conditions. Invitae Evidence Modeling of protein sequence and biophysical properties (such as structural, functional, and spatial information, amino acid conservation, physicochemical variation, residue mobility, and thermodynamic stability) indicates that this missense variant is expected to disrupt CRB1 protein function with a positive predictive value of 95%. In summary, the available evidence is currently insufficient to determine the role of this variant in disease. Therefore, it has been classified as a Variant of Uncertain Significance.